The following is an entry in ClinVar:

NM_024675.4(PALB2):c.2996+10G>C

Gene: PALB2 (partner and localizer of BRCA2; minus strand). Cytogenetic location: 16p12.2.
Variant type: single nucleotide variant.
Coding change: c.2996+10G>C on transcript NM_024675.4 (MANE Select); 10 bases into the intron after coding-DNA position 2996, G replaced by C.
Molecular consequence: intron variant.
Genome position (GRCh38, 1-based): chr16:23,622,959, C>G on the plus strand (G>C on the coding strand, the complement: PALB2 is on the minus strand). VCF-style: chr16-23622959-C-G. GRCh37 (hg19) VCF-style: chr16-23634280-C-G.
Identifiers: ClinVar variation 1653082 (VCV001653082.10), dbSNP rs773023007, ClinGen allele CA2213412041.

ClinVar aggregate classification (germline): Likely benign. Review status: criteria provided, multiple submitters, no conflicts (2 of 4 stars). 2 submissions from 2 submitters: Likely benign (2). Last evaluated 2025-12-02.

Conditions:
Familial cancer of breast. Also called: hereditary breast carcinoma; Hereditary breast cancer; BREAST CANCER, FAMILIAL. Identifiers: Orphanet 227535, MedGen C0346153, MONDO:0016419, OMIM 114480. Disease mechanism: loss of function.

Submissions (2):

Labcorp Genetics (formerly Invitae), Labcorp
Classification: Likely benign for Familial cancer of breast. Last evaluated: 2025-12-02. Review status: criteria provided, single submitter. Criteria: Invitae Variant Classification Sherloc (09022015). Collection method: clinical testing. Allele origin: germline.

Myriad Genetics, Inc.
Classification: Likely benign for Familial cancer of breast. Last evaluated: 2025-01-21. Review status: criteria provided, single submitter. Criteria: Myriad Autosomal Dominant, Autosomal Recessive and X-Linked Classification Criteria (2023). Collection method: clinical testing. Allele origin: unknown.
Comment: This variant is considered likely benign. This variant is intronic and is not expected to impact mRNA splicing.